The following is an entry in ClinVar:

ClinVar aggregate classification (germline): Uncertain significance (1 of 4 stars; one submission).

Conditions:
Intellectual developmental disorder, autosomal dominant 6, with or without seizures. Also called: GRIN2B-related developmental delay, intellectual disability and autism spectrum disorder; Intellectual disability, autosomal dominant 6. Identifiers: Orphanet 589547, MedGen C3151411, MONDO:0013509, OMIM 613970.
Developmental and epileptic encephalopathy, 27 (DEE27). Also called: GRIN2B-Related Neurodevelopmental Disorder; Epileptic encephalopathy, early infantile, 27. Identifiers: Orphanet 3451, MedGen C4015316, MONDO:0014505, OMIM 616139.

Allele frequency attached by ClinVar (database versions not stated): ExAC 0.00001; gnomAD exomes below 0.00001; gnomAD 0.00001; TOPMed 0.00001.
gnomAD v4.1: 3 of 1,613,628 alleles (0.00019%); highest among the groups gnomAD compares: African/African-American, 0.0027%; no homozygotes.

Submission:

Labcorp Genetics (formerly Invitae), Labcorp
Classification: Uncertain significance for Developmental and epileptic encephalopathy, 27; Intellectual developmental disorder, autosomal dominant 6, with or without seizures. Last evaluated: 2021-10-20. Review status: criteria provided, single submitter. Criteria: Invitae Variant Classification Sherloc (09022015). Collection method: clinical testing. Allele origin: germline.
Comment: In summary, the available evidence is currently insufficient to determine the role of this variant in disease. Therefore, it has been classified as a Variant of Uncertain Significance. Algorithms developed to predict the effect of missense changes on protein structure and function are either unavailable or do not agree on the potential impact of this missense change (SIFT: "Deleterious"; PolyPhen-2: "Possibly Damaging"; Align-GVGD: "Class C0"). This variant has not been reported in the literature in individuals affected with GRIN2B-related conditions. This variant is present in population databases (rs769987851, ExAC 0.01%). This sequence change replaces leucine with proline at codon 62 of the GRIN2B protein (p.Leu62Pro). The leucine residue is moderately conserved and there is a moderate physicochemical difference between leucine and proline.

NM_000834.5(GRIN2B):c.185T>C (p.Leu62Pro)

Gene: GRIN2B (glutamate ionotropic receptor NMDA type subunit 2B; minus strand). Cytogenetic location: 12p13.1.
Variant type: single nucleotide variant.
Coding change: c.185T>C on transcript NM_000834.5 (MANE Select); coding-DNA position 185, T replaced by C.
Protein change: p.Leu62Pro; replaces leucine 62 with proline.
Molecular consequence: missense variant.
Genome position (GRCh38, 1-based): chr12:13,866,024, A>G on the plus strand (T>C on the coding strand, the complement: GRIN2B is on the minus strand). VCF-style: chr12-13866024-A-G. GRCh37 (hg19) VCF-style: chr12-14018958-A-G.
Other names: short protein forms L62P.
Identifiers: ClinVar variation 1386960 (VCV001386960.6), dbSNP rs769987851, ClinGen allele CA6461448.